The following is an entry in ClinVar:

NM_001104.4(ACTN3):c.2575C>T (p.Arg859Cys)

Gene: ACTN3 (actinin alpha 3; plus strand). Cytogenetic location: 11q13.2.
Variant type: single nucleotide variant.
Coding change: c.2575C>T on transcript NM_001104.4 (MANE Select); coding-DNA position 2575, C replaced by T.
Protein change: p.Arg859Cys; replaces arginine 859 with cysteine.
Molecular consequence: missense variant.
Genome position (GRCh38, 1-based): chr11:66,563,062, C>T. VCF-style: chr11-66563062-C-T. GRCh37 (hg19) VCF-style: chr11-66330533-C-T.
Other names: c.2704C>T, p.Arg902Cys (NM_001258371.3); short protein forms R859C, R902C.
Identifiers: ClinVar variation 3042083 (VCV003042083.2), dbSNP rs71457732, ClinGen allele CA6125132.

ClinVar aggregate classification (germline): Benign (0 of 4 stars; one submission).

Conditions:
ACTN3-related disorder. Also called: ACTN3-related condition.

Allele frequency attached by ClinVar (database versions not stated): 1000 Genomes Project 30x 0.00422; 1000 Genomes Project 0.00439; gnomAD 0.00703; ESP Exome Variant Server 0.00743; gnomAD exomes 0.00829; TOPMed 0.00848.
gnomAD v4.1: 13,373 of 1,612,412 alleles (0.83%); highest among the groups gnomAD compares: Middle Eastern, 4.5%; 106 homozygotes.

Submission:

PreventionGenetics, part of Exact Sciences
Classification: Benign for ACTN3-related condition. Last evaluated: 2020-01-09. Review status: no assertion criteria provided. Collection method: clinical testing. Allele origin: germline.
Comment: This variant is classified as benign based on ACMG/AMP sequence variant interpretation guidelines (Richards et al. 2015 PMID: 25741868, with internal and published modifications).